The following is an entry in ClinVar:

ClinVar aggregate classification (germline): Uncertain significance (1 of 4 stars; one submission).

Submission:

Women's Health and Genetics/Laboratory Corporation of America, LabCorp
Classification: Uncertain significance. Last evaluated: 2025-03-10. Review status: criteria provided, single submitter. Criteria: LabCorp Variant Classification Summary - May 2015. Collection method: clinical testing. Allele origin: germline.
Comment: Variant summary: NPR2 c.1186G>C (p.Ala396Pro) results in a non-conservative amino acid change in the encoded protein sequence. Five of five in-silico tools predict a damaging effect of the variant on protein function. The variant was absent in 251408 control chromosomes. The available data on variant occurrences in the general population are insufficient to allow any conclusion about variant significance. To our knowledge, no occurrence of c.1186G>C in individuals affected with NPR2-Related Disorders and no experimental evidence demonstrating its impact on protein function have been reported. No submitters have cited clinical-significance assessments for this variant to ClinVar. Based on the evidence outlined above, the variant was classified as uncertain significance.

NM_003995.4(NPR2):c.1186G>C (p.Ala396Pro)

Gene: NPR2 (natriuretic peptide receptor 2; plus strand). Cytogenetic location: 9p13.3.
Variant type: single nucleotide variant.
Coding change: c.1186G>C on transcript NM_003995.4 (MANE Select); coding-DNA position 1186, G replaced by C.
Protein change: p.Ala396Pro; replaces alanine 396 with proline.
Molecular consequence: missense variant.
Genome position (GRCh38, 1-based): chr9:35,800,451, G>C. VCF-style: chr9-35800451-G-C. GRCh37 (hg19) VCF-style: chr9-35800448-G-C.
Other names: c.1186G>C, p.Ala396Pro (NM_001378923.1); short protein forms A396P.
Identifiers: ClinVar variation 3895746 (VCV003895746.1).